The following is an entry in ClinVar:

NM_001134363.3(RBM20):c.1761C>T (p.Leu587=)

Gene: RBM20 (RNA binding motif protein 20; plus strand). Cytogenetic location: 10q25.2.
Variant type: single nucleotide variant.
Coding change: c.1761C>T on transcript NM_001134363.3 (MANE Select); coding-DNA position 1761, C replaced by T.
Protein change: p.Leu587=; no amino-acid change (leucine 587 retained).
Molecular consequence: synonymous variant.
Genome position (GRCh38, 1-based): chr10:110,799,879, C>T. VCF-style: chr10-110799879-C-T. GRCh37 (hg19) VCF-style: chr10-112559637-C-T.
Identifiers: ClinVar variation 179370 (VCV000179370.13), dbSNP rs727504820, ClinGen allele CA184287.
Genomic context (GRCh38, chr10:110,799,879, plus strand): 5'-ACAGGCCATGGTCCAGTATTATCAAGAAAAATCTGCTGTGATCAATGGTGAGAAGTTGCT[C>T]ATTCGGATGTCCAAGAGATACAAGGAATTGCAGCTCAAGGTAAAGCATTATCTTGCTCAT-3'
Protein context (NP_001127835.2, residues 577-597): KSAVINGEKL[Leu587=]IRMSKRYKEL

ClinVar aggregate classification (germline): Likely benign. Review status: criteria provided, multiple submitters, no conflicts (2 of 4 stars). 2 submissions from 2 submitters: Likely benign (2). Last evaluated 2025-12-08.

Conditions:
Dilated cardiomyopathy 1DD (CMD1DD). Identifiers: Orphanet 154, MedGen C2750995, MONDO:0013168, OMIM 613172.

Allele frequency attached by ClinVar (database versions not stated): TOPMed below 0.00001; gnomAD 0.00001; gnomAD exomes 0.00001; ExAC 0.00004.
gnomAD v4.1: 4 of 1,551,972 alleles (0.00026%); highest among the groups gnomAD compares: Non-Finnish European, 0.00026%; no homozygotes.

Submissions (2):

Labcorp Genetics (formerly Invitae), Labcorp
Classification: Likely benign for Dilated cardiomyopathy 1DD. Last evaluated: 2025-12-08. Review status: criteria provided, single submitter. Criteria: Invitae Variant Classification Sherloc (09022015). Collection method: clinical testing. Allele origin: germline.

Laboratory for Molecular Medicine, Mass General Brigham Personalized Medicine
Classification: Likely benign. Last evaluated: 2013-10-17. Review status: criteria provided, single submitter. Criteria: LMM Criteria. Collection method: clinical testing. Allele origin: germline. Observed: 1 variant allele.
Comment: Leu587Leu in exon 7 of RBM20: This variant is not expected to have clinical sign ificance because it does not alter an amino acid residue and is not located with in the splice consensus sequence. Leu587Leu in exon 7 of RBM20 (allele frequen cy = n/a)